The following is an entry in ClinVar:

NM_003922.4(HERC1):c.14189T>C (p.Met4730Thr)

Gene: HERC1 (HECT and RLD domain containing E3 ubiquitin protein ligase family member 1; minus strand). Cytogenetic location: 15q22.31.
Variant type: single nucleotide variant.
Coding change: c.14189T>C on transcript NM_003922.4 (MANE Select); coding-DNA position 14189, T replaced by C.
Protein change: p.Met4730Thr; replaces methionine 4730 with threonine.
Molecular consequence: missense variant.
Genome position (GRCh38, 1-based): chr15:63,612,462, A>G on the plus strand (T>C on the coding strand, the complement: HERC1 is on the minus strand). VCF-style: chr15-63612462-A-G. GRCh37 (hg19) VCF-style: chr15-63904661-A-G.
Other names: short protein forms M4730T.
Identifiers: ClinVar variation 1715421 (VCV001715421.5), dbSNP rs2550800956, ClinGen allele CA392731571.

ClinVar aggregate classification (germline): Uncertain significance (1 of 4 stars; one submission).

Submission:

Labcorp Genetics (formerly Invitae), Labcorp
Classification: Uncertain significance. Last evaluated: 2022-08-06. Review status: criteria provided, single submitter. Criteria: Invitae Variant Classification Sherloc (09022015). Collection method: clinical testing. Allele origin: germline.
Comment: In summary, the available evidence is currently insufficient to determine the role of this variant in disease. Therefore, it has been classified as a Variant of Uncertain Significance. Algorithms developed to predict the effect of missense changes on protein structure and function are either unavailable or do not agree on the potential impact of this missense change (SIFT: "Deleterious"; PolyPhen-2: "Benign"; Align-GVGD: "Class C65"). This variant has not been reported in the literature in individuals affected with HERC1-related conditions. This variant is not present in population databases (gnomAD no frequency). This sequence change replaces methionine, which is neutral and non-polar, with threonine, which is neutral and polar, at codon 4730 of the HERC1 protein (p.Met4730Thr).